The following is an entry in ClinVar:

ClinVar aggregate classification (germline): Benign. Review status: criteria provided, multiple submitters, no conflicts (2 of 4 stars). 6 submissions from 6 submitters: Benign (6). Last evaluated 2026-02-04.

Conditions:
Fraser syndrome 1 (FRASRS1). Also called: CRYPTOPHTHALMOS WITH OTHER MALFORMATIONS. Identifiers: Orphanet 2052, MedGen C4551480, MONDO:0054737, OMIM 219000.

Allele frequency attached by ClinVar (database versions not stated): 1000 Genomes Project 30x 0.17630; 1000 Genomes Project 0.17652; gnomAD exomes 0.18004; ESP Exome Variant Server 0.18059; TOPMed 0.18346; ExAC 0.19098.
gnomAD v4.1: 286,742 of 1,611,934 alleles (18%); highest among the groups gnomAD compares: Middle Eastern, 22%; 25,924 homozygotes.

Submissions (6):

Labcorp Genetics (formerly Invitae), Labcorp
Classification: Benign. Last evaluated: 2026-02-04. Review status: criteria provided, single submitter. Criteria: Invitae Variant Classification Sherloc (09022015). Collection method: clinical testing. Allele origin: germline.

Blueprint Genetics
Classification: Benign. Last evaluated: 2024-11-26. Review status: criteria provided, single submitter. Criteria: ACMG Guidelines, 2015. Collection method: clinical testing. Allele origin: germline.

Mayo Clinic Laboratories, Mayo Clinic
Classification: Benign. Last evaluated: 2022-03-09. Review status: criteria provided, single submitter. Criteria: ACMG Guidelines, 2015. Collection method: clinical testing. Allele origin: germline. Observed: 30 variant alleles.

Illumina Laboratory Services, Illumina
Classification: Benign for Fraser syndrome 1. Last evaluated: 2018-01-12. Review status: criteria provided, single submitter. Criteria: ICSL Variant Classification Criteria 13 December 2019. Collection method: clinical testing. Allele origin: germline.
Comment: This variant was observed in the ICSL laboratory as part of a predisposition screen in an ostensibly healthy population. It had not been previously curated by ICSL or reported in the Human Gene Mutation Database (HGMD: prior to June 1st, 2018), and was therefore a candidate for classification through an automated scoring system. Utilizing variant allele frequency, disease prevalence and penetrance estimates, and inheritance mode, an automated score was calculated to assess if this variant is too frequent to cause the disease. Based on the score and internal cut-off values, a variant classified as benign is not then subjected to further curation. The score for this variant resulted in a classification of benign for this disease.

Breakthrough Genomics
Classification: Benign. Review status: criteria provided, single submitter. Criteria: ACMG Guidelines, 2015. Collection method: not provided. Allele origin: germline. Inheritance: Autosomal recessive inheritance. Affected: yes.

PreventionGenetics, part of Exact Sciences
Classification: Benign. Review status: criteria provided, single submitter. Criteria: ACMG Guidelines, 2015. Collection method: clinical testing. Allele origin: germline.

NM_025074.7(FRAS1):c.10377C>T (p.Thr3459=)

Gene: FRAS1 (Fraser extracellular matrix complex subunit 1; plus strand). Cytogenetic location: 4q21.21.
Variant type: single nucleotide variant.
Coding change: c.10377C>T on transcript NM_025074.7 (MANE Select); coding-DNA position 10377, C replaced by T.
Protein change: p.Thr3459=; no amino-acid change (threonine 3459 retained).
Molecular consequence: synonymous variant.
Genome position (GRCh38, 1-based): chr4:78,516,001, C>T. VCF-style: chr4-78516001-C-T. GRCh37 (hg19) VCF-style: chr4-79437155-C-T.
Other names: p.Thr3459=.
Identifiers: ClinVar variation 261795 (VCV000261795.16), dbSNP rs3749487, ClinGen allele CA2978931.